The following is an entry in ClinVar:

ClinVar aggregate classification (germline): Likely pathogenic (1 of 4 stars; one submission).

Conditions:
Cerebral arteriopathy, autosomal dominant, with subcortical infarcts and leukoencephalopathy, type 1 (CADASIL1). Also called: CADASIL 1; CASIL; Cerebral arteriopathy with subcortical infarcts and leukoencephalopathy 1; DEMENTIA, HEREDITARY MULTIINFARCT TYPE. Identifiers: Orphanet 136, MedGen C4551768, MONDO:0000914, OMIM 125310.

Submission:

3billion
Classification: Likely pathogenic for Cerebral arteriopathy, autosomal dominant, with subcortical infarcts and leukoencephalopathy, type 1. Last evaluated: 2025-03-04. Review status: criteria provided, single submitter. Criteria: ACMG Guidelines, 2015. Collection method: clinical testing. Allele origin: germline. Affected: yes.
Comment: The variant is observed at an extremely low frequency in the gnomAD v4.1.0 dataset (total allele frequency: <0.001%). Predicted Consequence/Location: Missense variant. Missense changes are a common disease-causing mechanism. In silico tool predictions suggest damaging effect of the variant on gene or gene product [3Cnet: 0.97 (> 0.75, sensitivity 0.96 and precision 0.92)]. A different missense change at the same codon (p.Arg449Cys) has been reported as pathogenic/likely pathogenic with strong evidence (ClinVar ID: VCV000810777 /PMID: 12146805). Therefore, this variant is classified as Likely pathogenic according to the recommendation of ACMG/AMP guideline.

Literature cited by the submitters: PubMed 12146805.

NM_000435.3(NOTCH3):c.1346G>A (p.Arg449His)

Gene: NOTCH3 (notch receptor 3; minus strand). Cytogenetic location: 19p13.12.
Variant type: single nucleotide variant.
Coding change: c.1346G>A on transcript NM_000435.3 (MANE Select); coding-DNA position 1346, G replaced by A.
Protein change: p.Arg449His; replaces arginine 449 with histidine.
Molecular consequence: missense variant.
Genome position (GRCh38, 1-based): chr19:15,189,021, C>T on the plus strand (G>A on the coding strand, the complement: NOTCH3 is on the minus strand). VCF-style: chr19-15189021-C-T. GRCh37 (hg19) VCF-style: chr19-15299832-C-T.
Other names: short protein forms R449H.
Identifiers: ClinVar variation 4293617 (VCV004293617.1).